The following is an entry in ClinVar:

NM_001254.4(CDC6):c.536T>C (p.Met179Thr)

Gene: CDC6 (cell division cycle 6; plus strand). Cytogenetic location: 17q21.2.
Variant type: single nucleotide variant.
Coding change: c.536T>C on transcript NM_001254.4 (MANE Select); coding-DNA position 536, T replaced by C.
Protein change: p.Met179Thr; replaces methionine 179 with threonine.
Molecular consequence: missense variant.
Genome position (GRCh38, 1-based): chr17:40,291,544, T>C. VCF-style: chr17-40291544-T-C. GRCh37 (hg19) VCF-style: chr17-38447796-T-C.
Other names: short protein forms M179T.
Identifiers: ClinVar variation 2822103 (VCV002822103.3), dbSNP rs1329702045, ClinGen allele CA399327952.

ClinVar aggregate classification (germline): Uncertain significance (1 of 4 stars; one submission).

Allele frequency attached by ClinVar (database versions not stated): gnomAD exomes below 0.00001; TOPMed below 0.00001; gnomAD 0.00001.

Submission:

Labcorp Genetics (formerly Invitae), Labcorp
Classification: Uncertain significance. Last evaluated: 2022-12-18. Review status: criteria provided, single submitter. Criteria: Invitae Variant Classification Sherloc (09022015). Collection method: clinical testing. Allele origin: germline.
Comment: This sequence change replaces methionine, which is neutral and non-polar, with threonine, which is neutral and polar, at codon 179 of the CDC6 protein (p.Met179Thr). In summary, the available evidence is currently insufficient to determine the role of this variant in disease. Therefore, it has been classified as a Variant of Uncertain Significance. Algorithms developed to predict the effect of missense changes on protein structure and function (SIFT, PolyPhen-2, Align-GVGD) all suggest that this variant is likely to be tolerated. This variant has not been reported in the literature in individuals affected with CDC6-related conditions. This variant is present in population databases (no rsID available, gnomAD 0.002%).